The following is an entry in ClinVar:

NM_017617.5(NOTCH1):c.3778G>T (p.Val1260Leu)

Gene: NOTCH1 (notch receptor 1; minus strand). Cytogenetic location: 9q34.3.
Variant type: single nucleotide variant.
Coding change: c.3778G>T on transcript NM_017617.5 (MANE Select); coding-DNA position 3778, G replaced by T.
Protein change: p.Val1260Leu; replaces valine 1260 with leucine.
Molecular consequence: missense variant.
Genome position (GRCh38, 1-based): chr9:136,506,839, C>A on the plus strand (G>T on the coding strand, the complement: NOTCH1 is on the minus strand). VCF-style: chr9-136506839-C-A. GRCh37 (hg19) VCF-style: chr9-139401291-C-A.
Other names: short protein forms V1260L.
Identifiers: ClinVar variation 2694571 (VCV002694571.3), dbSNP rs751169922, ClinGen allele CA375549363.

ClinVar aggregate classification (germline): Uncertain significance (1 of 4 stars; one submission).

Conditions:
Adams-Oliver syndrome 5 (AOS5). Identifiers: Orphanet 974, MedGen C4014970, MONDO:0014459, OMIM 616028.

Submission:

Labcorp Genetics (formerly Invitae), Labcorp
Classification: Uncertain significance for Adams-Oliver syndrome 5. Last evaluated: 2023-10-24. Review status: criteria provided, single submitter. Criteria: Invitae Variant Classification Sherloc (09022015). Collection method: clinical testing. Allele origin: germline.
Comment: This sequence change replaces valine, which is neutral and non-polar, with leucine, which is neutral and non-polar, at codon 1260 of the NOTCH1 protein (p.Val1260Leu). This variant is not present in population databases (gnomAD no frequency). This variant has not been reported in the literature in individuals affected with NOTCH1-related conditions. Advanced modeling of protein sequence and biophysical properties (such as structural, functional, and spatial information, amino acid conservation, physicochemical variation, residue mobility, and thermodynamic stability) performed at Invitae indicates that this missense variant is not expected to disrupt NOTCH1 protein function with a negative predictive value of 80%. In summary, the available evidence is currently insufficient to determine the role of this variant in disease. Therefore, it has been classified as a Variant of Uncertain Significance.